The following is an entry in ClinVar:

ClinVar aggregate classification (germline): Likely benign (1 of 4 stars; one submission).

Conditions:
ARMC9-related disorder. Also called: ARMC9-related condition.

Submission:

PreventionGenetics, part of Exact Sciences
Classification: Likely benign for ARMC9-related condition. Last evaluated: 2026-05-28. Review status: criteria provided, single submitter. Criteria: ACMG Guidelines, 2015. Collection method: clinical testing. Allele origin: germline.
Comment: This variant is classified as likely benign based on ACMG/AMP sequence variant interpretation guidelines (Richards et al. 2015 PMID: 25741868, with internal and published modifications).

NM_001352754.2(ARMC9):c.1717+7T>A

Gene: ARMC9 (armadillo repeat containing 9; plus strand). Cytogenetic location: 2q37.1.
Variant type: single nucleotide variant.
Coding change: c.1717+7T>A on transcript NM_001352754.2 (MANE Select); 7 bases into the intron after coding-DNA position 1717, T replaced by A.
Molecular consequence: intron variant.
Genome position (GRCh38, 1-based): chr2:231,291,450, T>A. VCF-style: chr2-231291450-T-A. GRCh37 (hg19) VCF-style: chr2-232156163-T-A.
Other names: c.1717+7T>A (NM_001271466.4, NM_001352755.2, NM_001352756.2 and 3 more transcripts); c.1618+7T>A (NM_001352757.2, NM_001352758.2).
Identifiers: ClinVar variation 4994286 (VCV004994286.1).